The following is an entry in ClinVar:

NM_001035.3(RYR2):c.5635G>A (p.Gly1879Ser)

Gene: RYR2 (ryanodine receptor 2; plus strand). Cytogenetic location: 1q43.
Variant type: single nucleotide variant.
Coding change: c.5635G>A on transcript NM_001035.3 (MANE Select); coding-DNA position 5635, G replaced by A.
Protein change: p.Gly1879Ser; replaces glycine 1879 with serine.
Molecular consequence: missense variant.
Genome position (GRCh38, 1-based): chr1:237,614,763, G>A. VCF-style: chr1-237614763-G-A. GRCh37 (hg19) VCF-style: chr1-237778063-G-A.
Other names: short protein forms G1879S.
Identifiers: ClinVar variation 855514 (VCV000855514.18), dbSNP rs1678277050, ClinGen allele CA074238.

ClinVar aggregate classification (germline): Uncertain significance. Review status: criteria provided, multiple submitters, no conflicts (2 of 4 stars). 4 submissions from 4 submitters: Uncertain significance (4). Last evaluated 2024-10-22.

Conditions:
Cardiomyopathy (CMYO). Also called: Cardiomyopathies. Identifiers: Orphanet 167848, MedGen C0878544, MONDO:0004994, HP:0001638. Inheritance: Various modes of inheritance.
Catecholaminergic polymorphic ventricular tachycardia 1. Also called: VENTRICULAR TACHYCARDIA, CATECHOLAMINERGIC POLYMORPHIC, 1, WITH OR WITHOUT ATRIAL DYSFUNCTION AND/OR DILATED CARDIOMYOPATHY; VENTRICULAR TACHYCARDIA, STRESS-INDUCED POLYMORPHIC 1; RYR2-Related Catecholaminergic Polymorphic Ventricular Tachycardia. Identifiers: Orphanet 3286, MedGen C1631597, MONDO:0011484, OMIM 604772.
Catecholaminergic polymorphic ventricular tachycardia (CVPT). Also called: Catecholamine-induced polymorphic ventricular tachycardia. Identifiers: Orphanet 3286, MedGen C5574922, MONDO:0017990.

Allele frequency attached by ClinVar (database versions not stated): gnomAD exomes 0.00002.
gnomAD v4.1: 16 of 1,612,716 alleles (0.00099%); highest among the groups gnomAD compares: Non-Finnish European, 0.0014%; no homozygotes.

Submissions (4):

Labcorp Genetics (formerly Invitae), Labcorp
Classification: Uncertain significance for Catecholaminergic polymorphic ventricular tachycardia 1. Last evaluated: 2024-10-22. Review status: criteria provided, single submitter. Criteria: Invitae Variant Classification Sherloc (09022015). Collection method: clinical testing. Allele origin: germline.
Comment: This sequence change replaces glycine, which is neutral and non-polar, with serine, which is neutral and polar, at codon 1879 of the RYR2 protein (p.Gly1879Ser). This variant is not present in population databases (gnomAD no frequency). This variant has not been reported in the literature in individuals affected with RYR2-related conditions. ClinVar contains an entry for this variant (Variation ID: 855514). Invitae Evidence Modeling of protein sequence and biophysical properties (such as structural, functional, and spatial information, amino acid conservation, physicochemical variation, residue mobility, and thermodynamic stability) indicates that this missense variant is not expected to disrupt RYR2 protein function with a negative predictive value of 95%. In summary, the available evidence is currently insufficient to determine the role of this variant in disease. Therefore, it has been classified as a Variant of Uncertain Significance.

All of Us Research Program, National Institutes of Health
Classification: Uncertain significance for Catecholaminergic polymorphic ventricular tachycardia. Last evaluated: 2024-09-23. Review status: criteria provided, single submitter. Criteria: ACMG Guidelines, 2015. Collection method: clinical testing. Allele origin: germline. Inheritance: Autosomal dominant inheritance. Observed: 4 variant alleles, 4 heterozygotes.
Comment: This missense variant replaces glycine with serine at codon 1879 of the RYR2 protein. Computational prediction suggests that this variant may not impact protein structure and function (internally defined REVEL score threshold <= 0.5, PMID: 27666373). To our knowledge, functional studies have not been reported for this variant. This variant has not been reported in individuals affected with cardiovascular disorders in the literature. This variant has not been identified in the general population by the Genome Aggregation Database (gnomAD). The available evidence is insufficient to determine the role of this variant in disease conclusively. Therefore, this variant is classified as a Variant of Uncertain Significance.

This study involves interpretation of variants in research participants for the purpose of population health screening. Participant phenotype was not available at the time of variant classification. Additional details can be found in publication PMID: 35346344, PMCID: PMC8962531

GeneDx
Classification: Uncertain significance. Last evaluated: 2024-07-11. Review status: criteria provided, single submitter. Criteria: GeneDx Variant Classification Process June 2021. Collection method: clinical testing. Allele origin: germline. Affected: yes.
Comment: Not observed at significant frequency in large population cohorts (gnomAD); In silico analysis indicates that this missense variant does not alter protein structure/function; Has not been previously published as pathogenic or benign to our knowledge; Not located in one of the three hot-spot regions of the RYR2 gene, where the majority of pathogenic missense variants occur (PMID: 19926015)

Color Diagnostics, LLC DBA Color Health
Classification: Uncertain significance for Cardiomyopathy. Last evaluated: 2024-06-12. Review status: criteria provided, single submitter. Criteria: ACMG Guidelines, 2015. Collection method: clinical testing. Allele origin: germline.
Comment: This missense variant replaces glycine with serine at codon 1879 of the RYR2 protein. Computational prediction suggests that this variant may not impact protein structure and function (internally defined REVEL score threshold <= 0.5, PMID: 27666373). To our knowledge, functional studies have not been reported for this variant. This variant has not been reported in individuals affected with cardiovascular disorders in the literature. This variant has not been identified in the general population by the Genome Aggregation Database (gnomAD). The available evidence is insufficient to determine the role of this variant in disease conclusively. Therefore, this variant is classified as a Variant of Uncertain Significance.